The following is an entry in ClinVar:

ClinVar aggregate classification (germline): Uncertain significance. Review status: criteria provided, multiple submitters, no conflicts (2 of 4 stars). 4 submissions from 4 submitters: Uncertain significance (4). Last evaluated 2024-11-06.

Conditions:
Inborn genetic diseases. Identifiers: MedGen C0950123, MeSH D030342.

Allele frequency attached by ClinVar (database versions not stated): gnomAD 0.00002; TOPMed 0.00002; ExAC 0.00003.
gnomAD v4.1: 63 of 1,612,502 alleles (0.0039%); highest among the groups gnomAD compares: Non-Finnish European, 0.0042%; no homozygotes.

Submissions (4):

Labcorp Genetics (formerly Invitae), Labcorp
Classification: Uncertain significance. Last evaluated: 2024-11-06. Review status: criteria provided, single submitter. Criteria: Invitae Variant Classification Sherloc (09022015). Collection method: clinical testing. Allele origin: germline.
Comment: This sequence change replaces alanine, which is neutral and non-polar, with proline, which is neutral and non-polar, at codon 559 of the FGFR3 protein (p.Ala559Pro). This variant is present in population databases (rs768385286, gnomAD 0.005%). This variant has not been reported in the literature in individuals affected with FGFR3-related conditions. ClinVar contains an entry for this variant (Variation ID: 432751). Invitae Evidence Modeling of protein sequence and biophysical properties (such as structural, functional, and spatial information, amino acid conservation, physicochemical variation, residue mobility, and thermodynamic stability) indicates that this missense variant is not expected to disrupt FGFR3 protein function with a negative predictive value of 95%. In summary, the available evidence is currently insufficient to determine the role of this variant in disease. Therefore, it has been classified as a Variant of Uncertain Significance.

GeneDx
Classification: Uncertain significance. Last evaluated: 2024-06-28. Review status: criteria provided, single submitter. Criteria: GeneDx Variant Classification Process June 2021. Collection method: clinical testing. Allele origin: germline. Affected: yes.
Comment: In silico analysis supports that this missense variant has a deleterious effect on protein structure/function; Has not been previously published as pathogenic or benign to our knowledge

CeGaT Center for Human Genetics Tuebingen
Classification: Uncertain significance. Last evaluated: 2023-08-01. Review status: criteria provided, single submitter. Criteria: CeGaT Center For Human Genetics Tuebingen Variant Classification Criteria Version 2. Collection method: clinical testing. Allele origin: germline. Affected: yes. Observed: 1 variant allele.

Ambry Genetics
Classification: Uncertain significance for Inborn genetic diseases. Last evaluated: 2021-12-03. Review status: criteria provided, single submitter. Criteria: Ambry Variant Classification Scheme 2023. Collection method: clinical testing. Allele origin: germline.

NM_000142.5(FGFR3):c.1675G>C (p.Ala559Pro)

Gene: FGFR3 (fibroblast growth factor receptor 3; plus strand). Cytogenetic location: 4p16.3.
Variant type: single nucleotide variant.
Coding change: c.1675G>C on transcript NM_000142.5 (MANE Select); coding-DNA position 1675, G replaced by C.
Protein change: p.Ala559Pro; replaces alanine 559 with proline.
Molecular consequence: missense variant. On other transcripts: non-coding transcript variant (1).
Genome position (GRCh38, 1-based): chr4:1,805,779, G>C. VCF-style: chr4-1805779-G-C. GRCh37 (hg19) VCF-style: chr4-1807506-G-C.
Other names: c.1681G>C, p.Ala561Pro (NM_001163213.2); c.1678G>C, p.Ala560Pro (NM_001354809.2, NM_001354810.2); c.1339G>C, p.Ala447Pro (NM_022965.4); short protein forms A559P, A561P, A447P, A560P.
Identifiers: ClinVar variation 432751 (VCV000432751.35), dbSNP rs768385286, ClinGen allele CA2810539.